The following is an entry in ClinVar:

NM_020919.4(ALS2):c.749T>C (p.Ile250Thr)

Gene: ALS2 (alsin Rho guanine nucleotide exchange factor ALS2; minus strand). Cytogenetic location: 2q33.1.
Variant type: single nucleotide variant.
Coding change: c.749T>C on transcript NM_020919.4 (MANE Select); coding-DNA position 749, T replaced by C.
Protein change: p.Ile250Thr; replaces isoleucine 250 with threonine.
Molecular consequence: missense variant.
Genome position (GRCh38, 1-based): chr2:201,761,245, A>G on the plus strand (T>C on the coding strand, the complement: ALS2 is on the minus strand). VCF-style: chr2-201761245-A-G. GRCh37 (hg19) VCF-style: chr2-202625968-A-G.
Other names: c.749T>C, p.Ile250Thr (NM_001135745.2); short protein forms I250T.
Identifiers: ClinVar variation 1478728 (VCV001478728.6), dbSNP rs2106088499, ClinGen allele CA350328179.
Genomic context (GRCh38, chr2:201,761,245, plus strand): 5'-TTTTCTGCCTGAGATTCTGTCAGTGTCACACCTAATGGGCAACAATGACTGTCTGATATA[A>G]TCACATGGTCTTCTTTGTCAGTCATAGTAATCAAGAGCTGGCTGCACTGGTTGCATCGTT-3'
Protein context (NP_065970.2, residues 240-260): ITMTDKEDHV[Ile250Thr]ISDSHCCPLG

ClinVar aggregate classification (germline): Uncertain significance (1 of 4 stars; one submission).

Conditions:
Infantile-onset ascending hereditary spastic paralysis (IAHSP). Also called: Infantile-Onset Ascending Hereditary Spastic Paralysis (IAHSP); Autosomal Recessive Juvenile Amyotrophic Lateral Sclerosis. Identifiers: Orphanet 293168, MedGen C2931441, MONDO:0011797, OMIM 607225. Disease mechanism: loss of function.

Submission:

Labcorp Genetics (formerly Invitae), Labcorp
Classification: Uncertain significance for Infantile-onset ascending hereditary spastic paralysis. Last evaluated: 2022-06-27. Review status: criteria provided, single submitter. Criteria: Invitae Variant Classification Sherloc (09022015). Collection method: clinical testing. Allele origin: germline.
Comment: In summary, the available evidence is currently insufficient to determine the role of this variant in disease. Therefore, it has been classified as a Variant of Uncertain Significance. Algorithms developed to predict the effect of missense changes on protein structure and function are either unavailable or do not agree on the potential impact of this missense change (SIFT: "Deleterious"; PolyPhen-2: "Possibly Damaging"; Align-GVGD: "Class C0"). This variant has not been reported in the literature in individuals affected with ALS2-related conditions. This variant is not present in population databases (gnomAD no frequency). This sequence change replaces isoleucine, which is neutral and non-polar, with threonine, which is neutral and polar, at codon 250 of the ALS2 protein (p.Ile250Thr).